The following is an entry in ClinVar:

ClinVar aggregate classification (germline): Conflicting classifications of pathogenicity. Review status: criteria provided, conflicting classifications (1 of 4 stars). 2 submissions from 2 submitters: Uncertain significance (1); Likely benign (1). Last evaluated 2023-03-23.

Conditions:
Hereditary cancer-predisposing syndrome. Also called: Hereditary Cancer Syndrome; Hereditary neoplastic syndrome; Neoplastic Syndromes, Hereditary; Tumor predisposition. Identifiers: Orphanet 140162, MedGen C0027672, MeSH D009386, MONDO:0015356.

Submissions (2):

University of Washington Department of Laboratory Medicine, University of Washington
Classification: Likely benign for Hereditary cancer-predisposing syndrome. Last evaluated: 2023-03-23. Review status: criteria provided, single submitter. Criteria: Dines et al. (Genet Med. 2020). Collection method: curation. Allele origin: germline.
Comment: Missense variant in a coldspot region where missense variants are very unlikely to be pathogenic (PMID:31911673).

BRCA1 coldspot (exon 11 using historical exon numbering). Reclassification based on statistical prior probability

Ambry Genetics
Classification: Uncertain significance for Hereditary cancer-predisposing syndrome. Last evaluated: 2015-11-04. Review status: criteria provided, single submitter. Criteria: Ambry Variant Classification Scheme 2023. Collection method: clinical testing. Allele origin: germline.
Comment: The p.K862N variant (also known as c.2586G>C), located in coding exon 9 of the BRCA1 gene, results from a G to C substitution at nucleotide position 2586. The lysine at codon 862 is replaced by asparagine, an amino acid with similar properties. This variant was not reported in population based cohorts in the following databases: Database of Single Nucleotide Polymorphisms (dbSNP), NHLBI Exome Sequencing Project (ESP), and 1000 Genomes Project. In the ESP, this variant was not observed in 6502 samples (13004 alleles) with coverage at this position. To date, this alteration has been detected with an allele frequency of approximately 0.0004% (greater than 225000 alleles tested) in our clinical cohort. This amino acid position is not well conserved in available vertebrate species. In addition, the in silico prediction for this alteration is inconclusive. Since supporting evidence is limited at this time, the clinical significance of p.K862N remains unclear.

NM_007294.4(BRCA1):c.2586G>C (p.Lys862Asn)

Gene: BRCA1 (BRCA1 DNA repair associated; minus strand). Cytogenetic location: 17q21.31.
Variant type: single nucleotide variant.
Coding change: c.2586G>C on transcript NM_007294.4 (MANE Select); coding-DNA position 2586, G replaced by C.
Protein change: p.Lys862Asn; replaces lysine 862 with asparagine.
Molecular consequence: missense variant. On other transcripts: intron variant (137).
Genome position (GRCh38, 1-based): chr17:43,092,945, C>G on the plus strand (G>C on the coding strand, the complement: BRCA1 is on the minus strand). VCF-style: chr17-43092945-C-G. GRCh37 (hg19) VCF-style: chr17-41244962-C-G.
Other names: c.2460G>C, p.Lys820Asn (NM_001407690.1, NM_001407691.1, NM_001407649.1 and 11 more transcripts); c.548-1913G>C (NM_001408494.1); c.664+1799G>C (NM_001408444.1, NM_001408430.1, NM_001408438.1 and 12 more transcripts); c.671-1913G>C (NM_001408423.1, NM_001408420.1, NM_001408419.1 and 2 more transcripts); c.787+1799G>C (NM_001408404.1, NM_001407980.1, NM_001407993.1 and 17 more transcripts); c.2445G>C, p.Lys815Asn (NM_001407724.1, NM_001407697.1, NM_001407692.1 and 29 more transcripts); c.2373G>C, p.Lys791Asn (NM_001407571.1, NM_001407853.1, NM_001407894.1 and 9 more transcripts); c.2586G>C, p.Lys862Asn (NM_001407581.1, NM_001407582.1, NM_001407583.1 and 30 more transcripts); and 41 more; short protein forms K862N, K815N, K694N, K735N, K774N, K795N, K836N, K791N.
Identifiers: ClinVar variation 441296 (VCV000441296.8), dbSNP rs1555589330, ClinGen allele CA10596818.